The following is an entry in ClinVar:

NM_001384732.1(CPLANE1):c.194T>C (p.Ile65Thr)

Gene: CPLANE1 (ciliogenesis and planar polarity effector complex subunit 1; minus strand). Cytogenetic location: 5p13.2.
Variant type: single nucleotide variant.
Coding change: c.194T>C on transcript NM_001384732.1 (MANE Select); coding-DNA position 194, T replaced by C.
Protein change: p.Ile65Thr; replaces isoleucine 65 with threonine.
Molecular consequence: missense variant.
Genome position (GRCh38, 1-based): chr5:37,245,733, A>G on the plus strand (T>C on the coding strand, the complement: CPLANE1 is on the minus strand). VCF-style: chr5-37245733-A-G. GRCh37 (hg19) VCF-style: chr5-37245835-A-G.
Other names: c.194T>C, p.Ile65Thr (NM_023073.4); short protein forms I65T.
Identifiers: ClinVar variation 1511185 (VCV001511185.8), dbSNP rs912446274, ClinGen allele CA117069393.

ClinVar aggregate classification (germline): Uncertain significance (1 of 4 stars; one submission).

Allele frequency attached by ClinVar (database versions not stated): gnomAD exomes 0.00001; TOPMed 0.00001.

Submission:

Labcorp Genetics (formerly Invitae), Labcorp
Classification: Uncertain significance. Last evaluated: 2021-02-17. Review status: criteria provided, single submitter. Criteria: Invitae Variant Classification Sherloc (09022015). Collection method: clinical testing. Allele origin: germline.
Comment: This sequence change replaces isoleucine with threonine at codon 65 of the CPLANE1 protein (p.Ile65Thr). The isoleucine residue is weakly conserved and there is a moderate physicochemical difference between isoleucine and threonine. This variant is not present in population databases (ExAC no frequency). This variant has not been reported in the literature in individuals with CPLANE1-related conditions. Advanced modeling of protein sequence and biophysical properties (such as structural, functional, and spatial information, amino acid conservation, physicochemical variation, residue mobility, and thermodynamic stability) performed at Invitae indicates that this missense variant is not expected to disrupt CPLANE1 protein function. In summary, the available evidence is currently insufficient to determine the role of this variant in disease. Therefore, it has been classified as a Variant of Uncertain Significance.